The following is an entry in ClinVar:

NM_002382.5(MAX):c.280C>T (p.Leu94Phe)

Gene: MAX (MYC associated transcriptional regulator X; minus strand). Cytogenetic location: 14q23.3.
Variant type: single nucleotide variant.
Coding change: c.280C>T on transcript NM_002382.5 (MANE Select); coding-DNA position 280, C replaced by T.
Protein change: p.Leu94Phe; replaces leucine 94 with phenylalanine.
Molecular consequence: missense variant. On other transcripts: synonymous variant (4), 5 prime UTR variant (2), non-coding transcript variant (7), intron variant (2).
Genome position (GRCh38, 1-based): chr14:65,077,928, G>A on the plus strand (C>T on the coding strand, the complement: MAX is on the minus strand). VCF-style: chr14-65077928-G-A. GRCh37 (hg19) VCF-style: chr14-65544646-G-A.
Other names: c.6C>T, p.Leu2= (NM_001320415.2, NM_001407105.1, NM_001407106.1 and 1 more transcripts); c.280C>T, p.Leu94Phe (NM_001407094.1, NM_001407096.1, NM_001407097.1 and 3 more transcripts); c.253C>T, p.Leu85Phe (NM_001407095.1, NM_001407099.1, NM_001407100.1 and 6 more transcripts); c.172C>T, p.Leu58Phe (NM_001407098.1); c.-88C>T (NM_001407111.1, NM_001407112.1); c.144+15780C>T (NM_001271069.2); c.171+15780C>T (NM_197957.4); short protein forms L58F, L85F, L94F.
Identifiers: ClinVar variation 1720266 (VCV001720266.9), dbSNP rs1595130897, ClinGen allele CA390035403.
Genomic context (GRCh38, chr14:65,077,928, plus strand): 5'-CTGGAGCACAGCAGGGCCAGCTGCCCCACGAGCTCGGGTGCTCACCTTGCTGCTCCAGAA[G>A]AGCATTCTGCCGCTTGAGGTCGTCAATATCTTGCTGGTGTGTGTGGTTTTTCCTTCGCAT-3'
Protein context (NP_002373.3, residues 84-104): DIDDLKRQNA[Leu94Phe]LEQQVRALEK

ClinVar aggregate classification (germline): Uncertain significance. Review status: criteria provided, multiple submitters, no conflicts (2 of 4 stars). 2 submissions from 2 submitters: Uncertain significance (2). Last evaluated 2025-06-24.

Conditions:
Hereditary cancer-predisposing syndrome. Also called: Neoplastic Syndromes, Hereditary; Tumor predisposition; Hereditary Cancer Syndrome; Hereditary neoplastic syndrome. Identifiers: Orphanet 140162, MedGen C0027672, MeSH D009386, MONDO:0015356.
Hereditary pheochromocytoma and paraganglioma. Also called: Hereditary pheochromocytoma-paraganglioma; Hereditary paragangliomas and pheochromocytomas; Hereditary Paraganglioma-Pheochromocytoma Syndromes. Identifiers: Orphanet 29072, MedGen C4274332, MONDO:0017366.

gnomAD v4.1: 1 of 1,614,244 alleles (0.000062%); highest among the groups gnomAD compares: Non-Finnish European, 0.000085%; no homozygotes.

Submissions (2):

Labcorp Genetics (formerly Invitae), Labcorp
Classification: Uncertain significance for Hereditary pheochromocytoma and paraganglioma. Last evaluated: 2025-06-24. Review status: criteria provided, single submitter. Criteria: Invitae Variant Classification Sherloc (09022015). Collection method: clinical testing. Allele origin: germline.
Comment: This sequence change replaces leucine, which is neutral and non-polar, with phenylalanine, which is neutral and non-polar, at codon 94 of the MAX protein (p.Leu94Phe). This variant is not present in population databases (gnomAD no frequency). This variant has not been reported in the literature in individuals affected with MAX-related conditions. ClinVar contains an entry for this variant (Variation ID: 1720266). An algorithm developed to predict the effect of missense changes on protein structure and function (PolyPhen-2) suggests that this variant is likely to be tolerated. In summary, the available evidence is currently insufficient to determine the role of this variant in disease. Therefore, it has been classified as a Variant of Uncertain Significance.

Ambry Genetics
Classification: Uncertain significance for Hereditary cancer-predisposing syndrome. Last evaluated: 2024-07-25. Review status: criteria provided, single submitter. Criteria: Ambry Variant Classification Scheme 2023. Collection method: clinical testing. Allele origin: germline.
Comment: The p.L94F variant (also known as c.280C>T), located in coding exon 4 of the MAX gene, results from a C to T substitution at nucleotide position 280. The leucine at codon 94 is replaced by phenylalanine, an amino acid with highly similar properties. This amino acid position is highly conserved in available vertebrate species. In addition, the in silico prediction for this alteration is inconclusive. Based on the available evidence, the clinical significance of this variant remains unclear.